The following is an entry in ClinVar:

NM_014991.6(WDFY3):c.1316A>C (p.Glu439Ala)

Gene: WDFY3 (WD repeat and FYVE domain containing 3; minus strand). Cytogenetic location: 4q21.23.
Variant type: single nucleotide variant.
Coding change: c.1316A>C on transcript NM_014991.6 (MANE Select); coding-DNA position 1316, A replaced by C.
Protein change: p.Glu439Ala; replaces glutamic acid 439 with alanine.
Molecular consequence: missense variant.
Genome position (GRCh38, 1-based): chr4:84,821,359, T>G on the plus strand (A>C on the coding strand, the complement: WDFY3 is on the minus strand). VCF-style: chr4-84821359-T-G. GRCh37 (hg19) VCF-style: chr4-85742512-T-G.
Other names: short protein forms E439A.
Identifiers: ClinVar variation 1375620 (VCV001375620.6), dbSNP rs2149821716, ClinGen allele CA357572306.

ClinVar aggregate classification (germline): Uncertain significance (1 of 4 stars; one submission).

Submission:

Labcorp Genetics (formerly Invitae), Labcorp
Classification: Uncertain significance. Last evaluated: 2023-09-07. Review status: criteria provided, single submitter. Criteria: Invitae Variant Classification Sherloc (09022015). Collection method: clinical testing. Allele origin: germline.
Comment: This sequence change replaces glutamic acid, which is acidic and polar, with alanine, which is neutral and non-polar, at codon 439 of the WDFY3 protein (p.Glu439Ala). This variant is not present in population databases (gnomAD no frequency). This variant has not been reported in the literature in individuals affected with WDFY3-related conditions. ClinVar contains an entry for this variant (Variation ID: 1375620). Advanced modeling of protein sequence and biophysical properties (such as structural, functional, and spatial information, amino acid conservation, physicochemical variation, residue mobility, and thermodynamic stability) performed at Invitae indicates that this missense variant is not expected to disrupt WDFY3 protein function. In summary, the available evidence is currently insufficient to determine the role of this variant in disease. Therefore, it has been classified as a Variant of Uncertain Significance.